The following is an entry in ClinVar:

NM_002485.5(NBN):c.37+7G>A

Gene: NBN (nibrin; minus strand). Cytogenetic location: 8q21.3.
Variant type: single nucleotide variant.
Coding change: c.37+7G>A on transcript NM_002485.5 (MANE Select); 7 bases into the intron after coding-DNA position 37, G replaced by A.
Molecular consequence: intron variant.
Genome position (GRCh38, 1-based): chr8:89,984,518, C>T on the plus strand (G>A on the coding strand, the complement: NBN is on the minus strand). VCF-style: chr8-89984518-C-T. GRCh37 (hg19) VCF-style: chr8-90996746-C-T.
Other names: c.-260+7G>A (NM_001024688.3).
Identifiers: ClinVar variation 239197 (VCV000239197.17), dbSNP rs372850559, ClinGen allele CA4803095.

ClinVar aggregate classification (germline): Likely benign. Review status: criteria provided, multiple submitters, no conflicts (2 of 4 stars). 4 submissions from 4 submitters: Likely benign (3). 1 of the submissions does not count toward it. Last evaluated 2025-07-22.

Conditions:
Hereditary cancer-predisposing syndrome. Also called: Neoplastic Syndromes, Hereditary; Tumor predisposition; Hereditary neoplastic syndrome; Hereditary Cancer Syndrome. Identifiers: Orphanet 140162, MedGen C0027672, MeSH D009386, MONDO:0015356.
Microcephaly, normal intelligence and immunodeficiency (NBS). Also called: Ataxia telangiectasia variant V1; Nijmegen breakage syndrome; Microcephaly with normal intelligence immunodeficiency and lymphoreticular malignancies; Nonsyndromal microcephaly autosomal recessive with normal intelligence; Seemanova syndrome 2; IMMUNODEFICIENCY, MICROCEPHALY, AND CHROMOSOMAL INSTABILITY. Identifiers: Orphanet 647, MedGen C0398791, MONDO:0009623, OMIM 251260.

Allele frequency attached by ClinVar (database versions not stated): ExAC 0.00001; gnomAD 0.00001; gnomAD exomes 0.00001 and 0.00002; TOPMed 0.00002; ESP Exome Variant Server 0.00008.

Submissions (4):

Labcorp Genetics (formerly Invitae), Labcorp
Classification: Likely benign for Microcephaly, normal intelligence and immunodeficiency. Last evaluated: 2025-07-22. Review status: criteria provided, single submitter. Criteria: Invitae Variant Classification Sherloc (09022015). Collection method: clinical testing. Allele origin: germline.

Women's Health and Genetics/Laboratory Corporation of America, LabCorp
Classification: Likely benign. Last evaluated: 2025-04-28. Review status: criteria provided, single submitter. Criteria: LabCorp Variant Classification Summary - May 2015. Collection method: clinical testing. Allele origin: germline.
Comment: Variant summary: NBN c.37+7G>A alters a non-conserved nucleotide located at a position not widely known to affect splicing. Consensus agreement among computation tools predict no significant impact on normal splicing. However, these predictions have yet to be confirmed by functional studies. The variant allele was found at a frequency of 1.2e-05 in 245656 control chromosomes. The available data on variant occurrences in the general population are insufficient to allow any conclusion about variant significance. To our knowledge, no occurrence of c.37+7G>A in individuals affected with Nijmegen Breakage Syndrome and no experimental evidence demonstrating its impact on protein function have been reported. ClinVar contains an entry for this variant (Variation ID: 239197). Based on the evidence outlined above, the variant was classified as likely benign.

Sema4
Classification: Likely benign for Hereditary cancer-predisposing syndrome. Last evaluated: 2021-04-08. Review status: criteria provided, single submitter. Criteria: Sema4 Curation Guidelines. Collection method: curation. Allele origin: germline.

Counsyl
Classification: Likely benign for Microcephaly, normal intelligence and immunodeficiency. Last evaluated: 2018-03-13. Review status: no assertion criteria provided. Collection method: clinical testing. Allele origin: unknown. Not counted in ClinVar's aggregate classification.